The following is an entry in ClinVar:

NM_000368.5(TSC1):c.2837G>C (p.Ser946Thr)

Gene: TSC1 (TSC complex subunit 1; minus strand). Cytogenetic location: 9q34.13.
Variant type: single nucleotide variant.
Coding change: c.2837G>C on transcript NM_000368.5 (MANE Select); coding-DNA position 2837, G replaced by C.
Protein change: p.Ser946Thr; replaces serine 946 with threonine.
Molecular consequence: missense variant. On other transcripts: non-coding transcript variant (5).
Genome position (GRCh38, 1-based): chr9:132,897,322, C>G on the plus strand (G>C on the coding strand, the complement: TSC1 is on the minus strand). VCF-style: chr9-132897322-C-G. GRCh37 (hg19) VCF-style: chr9-135772709-C-G.
Other names: c.2837G>C, p.Ser946Thr (NM_001406596.1, NM_001406592.1, NM_001406593.1 and 2 more transcripts); c.2834G>C, p.Ser945Thr (NM_001406597.1, NM_001406598.1, NM_001406599.1 and 2 more transcripts); c.2822G>C, p.Ser941Thr (NM_001406601.1, NM_001406602.1); c.2819G>C, p.Ser940Thr (NM_001406603.1, NM_001406604.1); c.2795G>C, p.Ser932Thr (NM_001406605.1, NM_001406606.1, NM_001406607.1); c.2474G>C, p.Ser825Thr (NM_001406615.1, NM_001406616.1, NM_001406617.1 and 4 more transcripts); c.2471G>C, p.Ser824Thr (NM_001406620.1, NM_001406621.1, NM_001406622.1 and 1 more transcripts); c.2684G>C, p.Ser895Thr (NM_001162427.2, NM_001406610.1); and 8 more; short protein forms S880T, S932T, S946T, S811T, S931T, S941T, S628T, S810T.
Identifiers: ClinVar variation 2809661 (VCV002809661.3), dbSNP rs1845130264, ClinGen allele CA375368904.
Genomic context (GRCh38, chr9:132,897,322, plus strand): 5'-TATAAATCTAAGATCTCCAATTCAAACACCTGGGTTATCCTTTTCTGAGCCTCATACCTG[C>G]TCTCTGCGGCCTGCAGCTGTCCTCTGAAAGATACAGACCAGCCAGAATATAGGAAGTTCC-3'
Protein context (NP_000359.1, residues 936-956): QARGQLQAAE[Ser946Thr]RYEAQKRITQ

ClinVar aggregate classification (germline): Uncertain significance (1 of 4 stars; one submission).

Conditions:
Tuberous sclerosis 1 (TSC1). Identifiers: Orphanet 805, MedGen C1854465, MONDO:0008612, OMIM 191100.

Submission:

Labcorp Genetics (formerly Invitae), Labcorp
Classification: Uncertain significance for Tuberous sclerosis 1. Last evaluated: 2023-03-03. Review status: criteria provided, single submitter. Criteria: Invitae Variant Classification Sherloc (09022015). Collection method: clinical testing. Allele origin: germline.
Comment: Advanced modeling of protein sequence and biophysical properties (such as structural, functional, and spatial information, amino acid conservation, physicochemical variation, residue mobility, and thermodynamic stability) performed at Invitae indicates that this missense variant is not expected to disrupt TSC1 protein function. In summary, the available evidence is currently insufficient to determine the role of this variant in disease. Therefore, it has been classified as a Variant of Uncertain Significance. This variant has not been reported in the literature in individuals affected with TSC1-related conditions. This variant is not present in population databases (gnomAD no frequency). This sequence change replaces serine, which is neutral and polar, with threonine, which is neutral and polar, at codon 946 of the TSC1 protein (p.Ser946Thr).